The following is an entry in ClinVar:

NM_000104.4(CYP1B1):c.1103G>A (p.Arg368His)

Gene: CYP1B1 (cytochrome P450 family 1 subfamily B member 1; minus strand). Cytogenetic location: 2p22.2.
Variant type: single nucleotide variant.
Coding change: c.1103G>A on transcript NM_000104.4 (MANE Select); coding-DNA position 1103, G replaced by A.
Protein change: p.Arg368His; replaces arginine 368 with histidine.
Molecular consequence: missense variant.
Genome position (GRCh38, 1-based): chr2:38,071,251, C>T on the plus strand (G>A on the coding strand, the complement: CYP1B1 is on the minus strand). VCF-style: chr2-38071251-C-T. GRCh37 (hg19) VCF-style: chr2-38298394-C-T.
Other names: NM_000104.4(CYP1B1):c.1103G>A; short protein forms R368H.
Identifiers: ClinVar variation 7739 (VCV000007739.98), dbSNP rs79204362, ClinGen allele CA119016.

ClinVar aggregate classification (germline): Uncertain significance. Review status: reviewed by expert panel (3 of 4 stars). 31 submissions from 29 submitters: Uncertain significance (1). 30 of the submissions do not count toward it. Last evaluated 2025-11-19.

Conditions:
Congenital glaucoma. Identifiers: MedGen C0020302, MONDO:0020366.
Glaucoma 3A. Also called: Glaucoma 3, primary congenital, A. Identifiers: Orphanet 98976, Orphanet 98977, MedGen C1856439, MONDO:0009277, OMIM 231300.
Anterior segment dysgenesis 6 (ASGD6). Also called: Anterior segment dysgenesis 6, multiple subtypes. Identifiers: MedGen C4310623, MONDO:0015016, OMIM 617315.
Fetal anomalies with a likely genetic cause.
Structural eye disease.
CYP1B1-related glaucoma with or without anterior segment dysgenesis. Identifiers: MedGen CN375931, MONDO:0800472.
Glaucoma 3, primary infantile, B. Also called: GLC3 type B; Primary congenital glaucoma type 3B; Glaucoma primary congenita type 3B; GLAUCOMA, PRIMARY CONGENITAL, TYPE B; GLC3B. Identifiers: Orphanet 98976, MedGen C1832977, MONDO:0010968, OMIM 600975.
CYP1B1-related disorder. Also called: CYP1B1-Related Disorders. Identifiers: MedGen CN239260.
Myopathy, centronuclear, 5 (CNM5). Identifiers: Orphanet 169186, MedGen C4014814, MONDO:0014418, OMIM 615959.
Irido-corneo-trabecular dysgenesis (ASGD5). Also called: ANTERIOR SEGMENT DYSGENESIS 5. Identifiers: Orphanet 708, MedGen C0344559, MONDO:0011414, OMIM 604229, HP:0000659.
Glaucoma, early-onset, digenic. Identifiers: MedGen C4016760.
Congenital ocular coloboma. Also called: Coloboma; COLOBOMA OF IRIS, CHOROID, AND RETINA; COLOBOMA, UVEORETINAL; Coloboma of eye. Identifiers: Orphanet 194, MedGen C0009363, MONDO:0001476, HP:0000589.
Primary congenital glaucoma. Also called: Primary congenital glaucoma (disease). Identifiers: MedGen C1533041, MONDO:0000365, HP:0008007.

Allele frequency attached by ClinVar (database versions not stated): gnomAD 0.00125 and 0.00200; TOPMed 0.00156; ESP Exome Variant Server 0.00162; 1000 Genomes Project 30x 0.00453; gnomAD exomes 0.00582 and 0.00319; 1000 Genomes Project 0.00419; ExAC 0.00616.
gnomAD v4.1: 5,031 of 1,613,104 alleles (0.31%); highest among the groups gnomAD compares: South Asian, 3.1%; 89 homozygotes.

Submissions 1 to 5 of 31:

ClinGen Glaucoma Variant Curation Expert Panel
Classification: Uncertain significance for CYP1B1-related glaucoma with or without anterior segment dysgenesis. Last evaluated: 2025-11-19. Review status: reviewed by expert panel. Criteria: ClinGen CYP1B1 ACMG Specifications V1 Approved. Collection method: curation. Allele origin: germline. Inheritance: Autosomal recessive inheritance.
Comment: The c.1103G>A variant in CYP1B1 is a missense variant predicted to cause substitution of Arginine by Histidine at amino acid 368 (p.Arg368His). The highest minor allele frequency of this variant was in the South Asian genetic ancestry group of gnomAD (v4.1.0) = 0.03079, which met the ≥ 0.01 threshold set for BS1 (2,804 alleles out of 91,076, meeting the threshold of ≥ 5 of at least 2,000 observed alleles). The REVEL score = 0.751, which was within the 0.644-0.772 range for PP3, predicting a damaging effect on CYP1B1 function. A previous study (PMID: 19643970) demonstrated that the Arg368His protein had reduced 17B Estradiol Activity levels compared to wild type CYP1B1 protein and met the OddsPath threshold for PS3_Supporting (> 2.1), indicating that this variant did impact protein function. Other assays reporting this variant either did not meet the OddsPath threshold (> 2.1) (PMIDs: 23028769, 18622259, 27243976) or the threshold for abnormal impact on protein function in the assay could not be determined (PMID: 27243976). 3 affected segregations with a CYP1B1-related phenotype have been reported (PMIDs: 11980847, 30108387, ANZRAG), which fulfilled PP1_Strong. There were more family studies published than presented here. As BS1 was met, PM3 did not apply and occurrence of this variant with another CYP1B1 variant was not assessed. One assumed de novo proband with PCG has been identified (PMID: 15037581). Total proband points = 0.5, meeting PS2_Supporting. In summary, this variant met the criteria to receive a score of 3 and to be classified as a variant of uncertain significance (uncertain significance classification range -1 to 5, adapted from PMID: 32720330) for CYP1B1-related glaucoma with or without anterior segment dysgenesis (ASD) based on the ACMG/AMP criteria met, as specified by the ClinGen Glaucoma VCEP (v1.0, 15.05.2024): BS1, PP1_Strong, PP3, PS2_Supporting, PS3_Supporting.

GeneDx
Classification: Uncertain significance. Last evaluated: 2026-10-26. Review status: criteria provided, single submitter. Criteria: GeneDx Variant Classification Process June 2021. Collection method: clinical testing. Allele origin: germline. Not counted in ClinVar's aggregate classification.
Comment: Identified in the heterozygous and homozygous state in additional individuals with primary congenital glaucoma in published literature, however, it has also been observed in the heterozygous and homozygous state in multiple unaffected individuals (PMID: 10655546, 30270463, 29168043); Published functional studies demonstrate a damaging effect with lower 17 beta-estradiol metabolizing activity comparing to wild type, although the stability was similar to wild type (PMID: 18622259, 23028769, 27243976); In silico analysis supports that this missense variant has a deleterious effect on protein structure/function; This variant is associated with the following publications: (PMID: 25091052, 19236111, 12036985, 16735994, 15475877, 27243976, 27508083, 19204079, 21081970, 21168818, 30788381, 24281366, 23028769, 19793111, 24123366, 26489929, 16688110, 16490498, 11980847, 11774072, 10655546, 26094658, 25333069, 19643970, 27535533, 28620713, 28384041, 14507861, 29556725, 30479709, 29522511, 17591938, 17718864, 30108387, 30270463, 29168043, 19536304, 30609409, 30653986, 20827438, 30479704, 37670504, 36076309, 37236975, 38249508, 41867382, 34426522, 15037581, 33726816, 19744731, 25978063, 17563717, 36518267, 38146977, 34526297, 38755526, 36239105, 36950438, 34840680, 38219857, 35085548, 36703223, 39337513, 18622259, 39998747, 40427049, 40701408)

Genetics Laboratory, Great Ormond Street Hospital NHS Foundation Trust, North Thames Genomic Laboratory Hub
Classification: Uncertain significance for Fetal anomalies with a likely genetic cause. Last evaluated: 2026-09-18. Review status: criteria provided, single submitter. Criteria: ACGS Best Practice Guidelines for Variant Classification in Rare Disease 2024 v1.2. Collection method: clinical testing. Allele origin: germline. Affected: yes. Not counted in ClinVar's aggregate classification.
Comment: BS1_strong, PP3_supporting, PS3_strong

Genetics Laboratory, Great Ormond Street Hospital NHS Foundation Trust, North Thames Genomic Laboratory Hub
Classification: Uncertain significance for Structural eye disease. Last evaluated: 2026-09-18. Review status: criteria provided, single submitter. Criteria: ACGS Best Practice Guidelines for Variant Classification in Rare Disease 2024 v1.2. Collection method: clinical testing. Allele origin: germline. Affected: yes. Not counted in ClinVar's aggregate classification.
Comment: the same text as in the submission from Genetics Laboratory, Great Ormond Street Hospital NHS Foundation Trust, North Thames Genomic Laboratory Hub above.

Women's Health and Genetics/Laboratory Corporation of America, LabCorp
Classification: Likely pathogenic for Primary congenital glaucoma. Last evaluated: 2026-03-03. Review status: criteria provided, single submitter. Criteria: LabCorp Variant Classification Summary - May 2015. Collection method: clinical testing. Allele origin: germline. Not counted in ClinVar's aggregate classification.
Comment: Variant summary: CYP1B1 c.1103G>A (p.Arg368His) results in a non-conservative amino acid change in the encoded protein sequence. Algorithms developed to predict the effect of missense changes on protein structure and function all suggest that this variant is likely to be disruptive. The variant allele was found at a frequency of 0.0058 in 247034 control chromosomes in the gnomAD database, including 13 homozygotes. The observed variant frequency exceeds the estimated maximal expected allele frequency for disease-causing variants in CYP1B1. c.1103G>A has been reported in the literature in multiple individuals affected with Primary Congenital Glaucoma and related conditions (e.g. Bejjani_2000, Tanwar_2009, Kaur_2018, Patel_2019, Zavarzadeh_2022, Lin_2024). These data indicate that the variant is very likely to be associated with disease. A different variant affecting the same codon has been classified as likely pathogenic/pathogenic by our lab (c.1102C>T, p.Arg368Cys), supporting the critical relevance of codon 368 to CYP1B1 protein function. Several publications report experimental evidence evaluating an impact on protein function, with the most pronounced variant effect resulting in <10% of normal activity (e.g. Choudhary_2008, Pasutto_2010, Mookherjee_2012, Banerjee_2016). The following publications have been ascertained in the context of this evaluation (PMID: 29556725, 27243976, 10655546, 18622259, 30788381, 38219857, 23028769, 19643970, 30653986, 19536304, 36239105). ClinVar contains an entry for this variant (Variation ID: 7739). Based on the evidence outlined above, the variant was classified as likely pathogenic.